The following is an entry in ClinVar:

NM_001035.3(RYR2):c.9352G>A (p.Gly3118Arg)

Gene: RYR2 (ryanodine receptor 2; plus strand). Cytogenetic location: 1q43.
Variant type: single nucleotide variant.
Coding change: c.9352G>A on transcript NM_001035.3 (MANE Select); coding-DNA position 9352, G replaced by A.
Protein change: p.Gly3118Arg; replaces glycine 3118 with arginine.
Molecular consequence: missense variant.
Genome position (GRCh38, 1-based): chr1:237,700,452, G>A. VCF-style: chr1-237700452-G-A. GRCh37 (hg19) VCF-style: chr1-237863752-G-A.
Other names: c.9352G>A, p.Gly3118Arg (LRG_402t1); short protein forms G3118R.
Identifiers: ClinVar variation 180499 (VCV000180499.14), dbSNP rs730880194, ClinGen allele CA011170.

ClinVar aggregate classification (germline): Conflicting classifications of pathogenicity. Review status: criteria provided, conflicting classifications (1 of 4 stars). 4 submissions from 4 submitters: Pathogenic (1); Likely pathogenic (1); Uncertain significance (2). Last evaluated 2026-05-14.

Conditions:
Cardiovascular phenotype. Identifiers: MedGen CN230736.
RYR2-related disorder. Also called: RYR2-related condition.
Catecholaminergic polymorphic ventricular tachycardia (CVPT). Also called: Catecholamine-induced polymorphic ventricular tachycardia. Identifiers: Orphanet 3286, MedGen C5574922, MONDO:0017990.
Catecholaminergic polymorphic ventricular tachycardia 1. Also called: VENTRICULAR TACHYCARDIA, CATECHOLAMINERGIC POLYMORPHIC, 1, WITH OR WITHOUT ATRIAL DYSFUNCTION AND/OR DILATED CARDIOMYOPATHY; RYR2-Related Catecholaminergic Polymorphic Ventricular Tachycardia; VENTRICULAR TACHYCARDIA, STRESS-INDUCED POLYMORPHIC 1. Identifiers: Orphanet 3286, MedGen C1631597, MONDO:0011484, OMIM 604772.

Allele frequency attached by ClinVar (database versions not stated): gnomAD exomes below 0.00001; gnomAD 0.00001; TOPMed 0.00001.
gnomAD v4.1: 6 of 1,558,996 alleles (0.00038%); highest among the groups gnomAD compares: Middle Eastern, 0.017%; no homozygotes.

Submissions (4):

Ambry Genetics
Classification: Uncertain significance for Cardiovascular phenotype. Last evaluated: 2026-05-14. Review status: criteria provided, single submitter. Criteria: Ambry Variant Classification Scheme 2023. Collection method: clinical testing. Allele origin: germline.
Comment: The p.G3118R variant (also known as c.9352G>A), located in coding exon 65 of the RYR2 gene, results from a G to A substitution at nucleotide position 9352. The glycine at codon 3118 is replaced by arginine, an amino acid with dissimilar properties. This variant has been identified in the homozygous state in individual(s) with features consistent with RYR2-related ventricular arrhythmia, and segregated with disease in at least one family; however, individuals who were heterozygous for this variant were unaffected (Mellor G et al. Circ Cardiovasc Genet, 2017 Jun;10; Shauer A et al. J Am Heart Assoc, 2021 Mar;10:e017128; Grondin S et al. Eur Heart J, 2022 Aug;43:3071-3081; Valappil SP et al. HeartRhythm Case Rep, 2025 Mar;11:210-213). Assays testing RYR2 function indicate that this variant may impact protein function (Shauer A et al. J Am Heart Assoc, 2021 Mar;10:e017128). This amino acid position is highly conserved in available vertebrate species. In addition, this alteration is predicted to be deleterious by in silico analysis. Based on the available evidence, the clinical significance of this variant remains unclear.

Labcorp Genetics (formerly Invitae), Labcorp
Classification: Pathogenic for Catecholaminergic polymorphic ventricular tachycardia 1. Last evaluated: 2024-08-29. Review status: criteria provided, single submitter. Criteria: Invitae Variant Classification Sherloc (09022015). Collection method: clinical testing. Allele origin: germline.
Comment: This sequence change replaces glycine, which is neutral and non-polar, with arginine, which is basic and polar, at codon 3118 of the RYR2 protein (p.Gly3118Arg). The frequency data for this variant in the population databases is considered unreliable, as metrics indicate poor data quality at this position in the gnomAD database. This missense change has been observed in individual(s) with autosomal recessive ventricular fibrillation and sudden death (PMID: 33686871, 35352813). It has also been observed to segregate with disease in related individuals. ClinVar contains an entry for this variant (Variation ID: 180499). Invitae Evidence Modeling of protein sequence and biophysical properties (such as structural, functional, and spatial information, amino acid conservation, physicochemical variation, residue mobility, and thermodynamic stability) has been performed for this missense variant. However, the output from this modeling did not meet the statistical confidence thresholds required to predict the impact of this variant on RYR2 protein function. Experimental studies have shown that this missense change affects RYR2 function (PMID: 33686871). For these reasons, this variant has been classified as Pathogenic.

Blueprint Genetics
Classification: Likely pathogenic for RYR2-related disorders. Last evaluated: 2024-01-17. Review status: criteria provided, single submitter. Criteria: ACMG Guidelines, 2015. Collection method: clinical testing. Allele origin: germline. Affected: yes. Observed: 2 variant alleles.

All of Us Research Program, National Institutes of Health
Classification: Uncertain significance for Catecholaminergic polymorphic ventricular tachycardia. Last evaluated: 2023-06-28. Review status: criteria provided, single submitter. Criteria: ACMG Guidelines, 2015. Collection method: clinical testing. Allele origin: germline. Inheritance: Autosomal dominant inheritance. Observed: 2 variant alleles, 2 heterozygotes.
Comment: This study involves interpretation of variants in research participants for the purpose of population health screening. Participant phenotype was not available at the time of variant classification. Additional details can be found in publication PMID: 35346344, PMCID: PMC8962531

Literature cited by the submitters: PubMed 28600387 (cited by Ambry Genetics); PubMed 33686871 (cited by Ambry Genetics and Labcorp Genetics (formerly Invitae), Labcorp); PubMed 35352813 (cited by Ambry Genetics and Labcorp Genetics (formerly Invitae), Labcorp); PubMed 40182943 (cited by Ambry Genetics).